The following is an entry in ClinVar:

ClinVar aggregate classification (germline): Pathogenic (1 of 4 stars; one submission).

Conditions:
Lafora disease. Also called: Epilepsy progressive myoclonic 2; Progressive Myoclonus Epilepsy, Lafora Type. Identifiers: Orphanet 501, MedGen C0751783, MONDO:0009697.

Submission:

Labcorp Genetics (formerly Invitae), Labcorp
Classification: Pathogenic for Lafora disease. Last evaluated: 2023-05-27. Review status: criteria provided, single submitter. Criteria: Invitae Variant Classification Sherloc (09022015). Collection method: clinical testing. Allele origin: germline.
Comment: This sequence change creates a premature translational stop signal (p.His187Glyfs*4) in the NHLRC1 gene. While this is not anticipated to result in nonsense mediated decay, it is expected to disrupt the last 209 amino acid(s) of the NHLRC1 protein. This variant is not present in population databases (gnomAD no frequency). This variant has not been reported in the literature in individuals affected with NHLRC1-related conditions. This variant disrupts a region of the NHLRC1 protein in which other variant(s) (p.Ser364*) have been determined to be pathogenic (Invitae). This suggests that this is a clinically significant region of the protein, and that variants that disrupt it are likely to be disease-causing. For these reasons, this variant has been classified as Pathogenic.

NM_198586.3(NHLRC1):c.558_562del (p.His187fs)

Gene: NHLRC1 (NHL repeat containing E3 ubiquitin protein ligase 1; minus strand). Cytogenetic location: 6p22.3.
Variant type: Deletion.
Coding change: c.558_562del on transcript NM_198586.3 (MANE Select); coding-DNA positions 558 to 562, 5 bases deleted (CCATG; older notation c.558_562delCCATG).
Protein change: p.His187fs; shifts the reading frame from histidine 187.
Molecular consequence: frameshift variant.
Genome position (GRCh38, 1-based): chr6:18,122,045-18,122,049, CATGG deleted on the plus strand (CCATG on the coding strand, the reverse complement: NHLRC1 is on the minus strand); deleting any 5 consecutive bases within chr6:18,122,045-18,122,051 gives the same sequence; the c. name uses the placement nearest the transcript's 3' end. VCF-style (leftmost placement, unchanged base first): chr6-18122044-ACATGG-A. GRCh37 (hg19) VCF-style: chr6-18122275-ACATGG-A.
Other names: short protein forms H187fs.
Identifiers: ClinVar variation 2717577 (VCV002717577.3), dbSNP rs2533896908, ClinGen allele CA2697546646.
Genomic context (GRCh38, chr6:18,122,044, plus strand): 5'-TTGATCTGGCCAAAAAAATCAAACACTTTGATGGAGCGATCGCCGGCGTCAGTGACAACC[ACATGG>A]CAGTCGTTGGTGATGGTGACATCCACAGGGTACCTAATGTCTTGGGCAGCGTCCCCCTTC-3'